The following is an entry in ClinVar:

NM_019842.4(KCNQ5):c.2552C>T (p.Ser851Leu)

Gene: KCNQ5 (potassium voltage-gated channel subfamily Q member 5; plus strand). Cytogenetic location: 6q13.
Variant type: single nucleotide variant.
Coding change: c.2552C>T on transcript NM_019842.4 (MANE Select); coding-DNA position 2552, C replaced by T.
Protein change: p.Ser851Leu; replaces serine 851 with leucine.
Molecular consequence: missense variant.
Genome position (GRCh38, 1-based): chr6:73,195,167, C>T. VCF-style: chr6-73195167-C-T. GRCh37 (hg19) VCF-style: chr6-73904890-C-T.
Other names: c.2525C>T, p.Ser842Leu (NM_001160130.2); c.2582C>T, p.Ser861Leu (NM_001160132.2); c.2609C>T, p.Ser870Leu (NM_001160133.2); c.2222C>T, p.Ser741Leu (NM_001160134.2); short protein forms S870L, S842L, S741L, S851L, S861L.
Identifiers: ClinVar variation 3659999 (VCV003659999.2).

ClinVar aggregate classification (germline): Uncertain significance (1 of 4 stars; one submission).

gnomAD v4.1: 1 of 1,614,116 alleles (0.000062%); highest among the groups gnomAD compares: Non-Finnish European, 0.000085%; no homozygotes.

Submission:

Labcorp Genetics (formerly Invitae), Labcorp
Classification: Uncertain significance. Last evaluated: 2024-07-20. Review status: criteria provided, single submitter. Criteria: Invitae Variant Classification Sherloc (09022015). Collection method: clinical testing. Allele origin: germline.
Comment: This sequence change replaces serine, which is neutral and polar, with leucine, which is neutral and non-polar, at codon 870 of the KCNQ5 protein (p.Ser870Leu). This variant is present in population databases (rs759197823, gnomAD 0.0009%). This variant has not been reported in the literature in individuals affected with KCNQ5-related conditions. Advanced modeling of protein sequence and biophysical properties (such as structural, functional, and spatial information, amino acid conservation, physicochemical variation, residue mobility, and thermodynamic stability) performed at Invitae indicates that this missense variant is not expected to disrupt KCNQ5 protein function with a negative predictive value of 80%. In summary, the available evidence is currently insufficient to determine the role of this variant in disease. Therefore, it has been classified as a Variant of Uncertain Significance.